The following is an entry in ClinVar:

ClinVar aggregate classification (germline): Likely pathogenic. Review status: reviewed by expert panel (3 of 4 stars). 2 submissions from 2 submitters: Likely pathogenic (1). 1 of the submissions does not count toward it. Last evaluated 2024-01-23.

Conditions:
Severe combined immunodeficiency due to DCLRE1C deficiency (RS-SCID). Also called: SCID, AUTOSOMAL RECESSIVE, T CELL-NEGATIVE, B CELL-NEGATIVE, NK CELL-POSITIVE, WITH SENSITIVITY TO IONIZING RADIATION. Identifiers: Orphanet 275, MedGen C1865371, MONDO:0011225, OMIM 602450.

Allele frequency attached by ClinVar (database versions not stated): gnomAD exomes below 0.00001.
gnomAD v4.1: 1 of 1,612,864 alleles (0.000062%); highest among the groups gnomAD compares: Non-Finnish European, 0.000085%; no homozygotes.

Submissions (2):

ClinGen Severe Combined Immunodeficiency Variant Curation Expert Panel, ClinGen
Classification: Likely pathogenic for Severe combined immunodeficiency due to DCLRE1C deficiency. Last evaluated: 2024-01-23. Review status: reviewed by expert panel. Criteria: ClinGen SCID ACMG Specifications DCLRE1C V1.0.0. Collection method: curation. Allele origin: germline. Inheritance: Autosomal recessive inheritance.
Comment: The NM_001033855.3:c.180C>A (p.Tyr60Ter) variant in DCLRE1C is a nonsense variant predicted to cause a premature stop codon in biologically relevant exon, 3/14, which is predicted to lead to nonsense-mediated decay in a gene in which loss-of-function is an established disease mechanism (PVS1). The highest population minor allele frequency in gnomAD v4 is 0.000001313 (1/761794 alleles) in the European (non-Finnish) population, which is lower than the ClinGen SCID VCEP threshold (<0.00003266) for PM2_Supporting, meeting this criterion (PM2_Supporting). To our knowledge, this variant has not been reported in the literature in individuals affected with DCLRE1C-related conditions or in functional studies. In summary, this variant meets the criteria to be classified as Likely Pathogenic for autosomal recessive severe combined immunodeficiency due to DCLRE1C deficiency based on the ACMG/AMP criteria applied, as specified by the ClinGen SCID VCEP: PM2_Supporting and PVS1 (VCEP specifications version 1).

Labcorp Genetics (formerly Invitae), Labcorp
Classification: Pathogenic for Athabaskan severe combined immunodeficiency. Last evaluated: 2021-07-02. Review status: criteria provided, single submitter. Criteria: Invitae Variant Classification Sherloc (09022015). Collection method: clinical testing. Allele origin: germline. Not counted in ClinVar's aggregate classification.
Comment: For these reasons, this variant has been classified as Pathogenic. This variant has not been reported in the literature in individuals affected with DCLRE1C-related conditions. This variant is not present in population databases (ExAC no frequency). This sequence change creates a premature translational stop signal (p.Tyr60*) in the DCLRE1C gene. It is expected to result in an absent or disrupted protein product. Loss-of-function variants in DCLRE1C are known to be pathogenic (PMID: 21664875, 26123418).

Literature cited by the submitters: PubMed 21664875 (cited by Labcorp Genetics (formerly Invitae), Labcorp); PubMed 26123418 (cited by Labcorp Genetics (formerly Invitae), Labcorp).

NM_001033855.3(DCLRE1C):c.180C>A (p.Tyr60Ter)

Gene: DCLRE1C (DNA cross-link repair 1C; minus strand). Cytogenetic location: 10p13.
Variant type: single nucleotide variant.
Coding change: c.180C>A on transcript NM_001033855.3 (MANE Select); coding-DNA position 180, C replaced by A.
Protein change: p.Tyr60Ter; replaces tyrosine 60 with a stop codon.
Molecular consequence: nonsense. On other transcripts: 5 prime UTR variant (8), non-coding transcript variant (4), intron variant (1).
Genome position (GRCh38, 1-based): chr10:14,945,171, G>T on the plus strand (C>A on the coding strand, the complement: DCLRE1C is on the minus strand). VCF-style: chr10-14945171-G-T. GRCh37 (hg19) VCF-style: chr10-14987170-G-T.
Other names: NM_001033855.3(DCLRE1C):c.180C>A; p.Tyr60Ter; c.-181C>A (NM_001033857.3, NM_001289077.2, NM_001350967.2); c.-503C>A (NM_001033858.3, NM_001289079.2); c.-110C>A (NM_001289078.2, NM_001350966.2, NM_022487.4); c.180C>A, p.Tyr60Ter (NM_001350965.2); c.-44+3865C>A (NM_001289076.2); short protein forms Y60*.
Identifiers: ClinVar variation 1364174 (VCV001364174.7), dbSNP rs2131108640, ClinGen allele CA376063520.